The following is an entry in ClinVar:

NM_004423.4(DVL3):c.1042C>G (p.Pro348Ala)

Gene: DVL3 (dishevelled segment polarity protein 3; plus strand). Cytogenetic location: 3q27.1.
Variant type: single nucleotide variant.
Coding change: c.1042C>G on transcript NM_004423.4 (MANE Select); coding-DNA position 1042, C replaced by G.
Protein change: p.Pro348Ala; replaces proline 348 with alanine.
Molecular consequence: missense variant.
Genome position (GRCh38, 1-based): chr3:184,166,667, C>G. VCF-style: chr3-184166667-C-G. GRCh37 (hg19) VCF-style: chr3-183884455-C-G.
Other names: short protein forms P348A.
Identifiers: ClinVar variation 4740413 (VCV004740413.1).
Genomic context (GRCh38, chr3:184,166,667, plus strand): 5'-CCCATCACCCTGACTGTAGCCAAGTGCTGGGACCCAAGTCCACGTGGTTGCTTCACATTG[C>G]CCAGGAGTAAGTGGATGGGAGACTCAGTCCTAAAGCTGGTGCTTACATACATGAGCACTG-3'
Protein context (NP_004414.3, residues 338-358): DPSPRGCFTL[Pro348Ala]RSEPIRPIDP

ClinVar aggregate classification (germline): Uncertain significance (1 of 4 stars; one submission).

Submission:

Labcorp Genetics (formerly Invitae), Labcorp
Classification: Uncertain significance. Last evaluated: 2025-07-14. Review status: criteria provided, single submitter. Criteria: Invitae Variant Classification Sherloc (09022015). Collection method: clinical testing. Allele origin: germline.
Comment: This sequence change replaces proline, which is neutral and non-polar, with alanine, which is neutral and non-polar, at codon 348 of the DVL3 protein (p.Pro348Ala). This variant is not present in population databases (gnomAD no frequency). This variant has not been reported in the literature in individuals affected with DVL3-related conditions. Invitae Evidence Modeling of protein sequence and biophysical properties (such as structural, functional, and spatial information, amino acid conservation, physicochemical variation, residue mobility, and thermodynamic stability) indicates that this missense variant is expected to disrupt DVL3 protein function with a positive predictive value of 80%. In summary, the available evidence is currently insufficient to determine the role of this variant in disease. Therefore, it has been classified as a Variant of Uncertain Significance.